The following is an entry in ClinVar:

NM_001386795.1(DTNA):c.1936G>T (p.Val646Leu)

Gene: DTNA (dystrobrevin alpha; plus strand). Cytogenetic location: 18q12.1.
Variant type: single nucleotide variant.
Coding change: c.1936G>T on transcript NM_001386795.1 (MANE Select); coding-DNA position 1936, G replaced by T.
Protein change: p.Val646Leu; replaces valine 646 with leucine.
Molecular consequence: missense variant.
Genome position (GRCh38, 1-based): chr18:34,877,751, G>T. VCF-style: chr18-34877751-G-T. GRCh37 (hg19) VCF-style: chr18-32457715-G-T.
Other names: c.1765G>T, p.Val589Leu (NM_001386756.1, NM_001386757.1, NM_001386758.1 and 3 more transcripts); c.1762G>T, p.Val588Leu (NM_001386760.1); c.1684G>T, p.Val562Leu (NM_001386761.1, NM_032975.4); c.1681G>T, p.Val561Leu (NM_001386762.1); c.1675G>T, p.Val559Leu (NM_001386763.1, NM_001386764.1, NM_001198938.2 and 5 more transcripts); c.1696G>T, p.Val566Leu (NM_001198939.2); c.982G>T, p.Val328Leu (NM_001198942.1); c.925G>T, p.Val309Leu (NM_001198943.1); and 6 more; short protein forms V271L, V328L, V561L, V619L, V646L, V588L, V589L, V267L.
Identifiers: ClinVar variation 1466836 (VCV001466836.9), dbSNP rs191002814, ClinGen allele CA8935888.

ClinVar aggregate classification (germline): Uncertain significance. Review status: criteria provided, multiple submitters, no conflicts (2 of 4 stars). 2 submissions from 2 submitters: Uncertain significance (2). Last evaluated 2026-03-09.

Conditions:
DTNA-related disorder. Also called: DTNA-related condition.
Left ventricular noncompaction 1 (LVNC1). Also called: LEFT VENTRICULAR NONCOMPACTION 1 WITH OR WITHOUT CONGENITAL HEART DEFECTS. Identifiers: Orphanet 54260, MedGen C1858725, MONDO:0011403, OMIM 604169.

Allele frequency attached by ClinVar (database versions not stated): ExAC 0.00001; gnomAD exomes 0.00001; gnomAD 0.00011 and 0.00013; 1000 Genomes Project 30x 0.00016; 1000 Genomes Project 0.00020; TOPMed 0.00034.
gnomAD v4.1: 30 of 1,613,916 alleles (0.0019%); highest among the groups gnomAD compares: Admixed American, 0.037%; no homozygotes.

Submissions (2):

PreventionGenetics, part of Exact Sciences
Classification: Uncertain significance for DTNA-related condition. Last evaluated: 2026-03-09. Review status: criteria provided, single submitter. Criteria: ACMG Guidelines, 2015. Collection method: clinical testing. Allele origin: germline.
Comment: The DTNA c.1855G>T variant is predicted to result in the amino acid substitution p.Val619Leu. To our knowledge, this variant has not been reported in the literature or in a large population database (gnomAD), indicating this variant is rare. At this time, the clinical significance of this variant is uncertain due to the absence of conclusive functional and genetic evidence.

Labcorp Genetics (formerly Invitae), Labcorp
Classification: Uncertain significance for Left ventricular noncompaction 1. Last evaluated: 2025-09-07. Review status: criteria provided, single submitter. Criteria: Invitae Variant Classification Sherloc (09022015). Collection method: clinical testing. Allele origin: germline.
Comment: This sequence change replaces valine, which is neutral and non-polar, with leucine, which is neutral and non-polar, at codon 619 of the DTNA protein (p.Val619Leu). This variant is present in population databases (rs191002814, gnomAD 0.009%). This variant has not been reported in the literature in individuals affected with DTNA-related conditions. ClinVar contains an entry for this variant (Variation ID: 1466836). An algorithm developed to predict the effect of missense changes on protein structure and function (PolyPhen-2) suggests that this variant is likely to be tolerated. In summary, the available evidence is currently insufficient to determine the role of this variant in disease. Therefore, it has been classified as a Variant of Uncertain Significance.